The following is an entry in ClinVar:

ClinVar aggregate classification (germline): Likely benign. Review status: criteria provided, multiple submitters, no conflicts (2 of 4 stars). 2 submissions from 2 submitters: Likely benign (2). Last evaluated 2026-06-01.

Conditions:
CHARGE syndrome (CHARGE). Also called: Hittner Hirsch Kreh syndrome; CHARGE ASSOCIATION--COLOBOMA, HEART ANOMALY, CHOANAL ATRESIA, RETARDATION, GENITAL AND EAR ANOMALIES; Coloboma, heart anomaly, choanal atresia, retardation, genital and ear anomalies; CHARGE association; Hall-Hittner syndrome. Identifiers: Orphanet 138, MedGen C0265354, MONDO:0008965.

Allele frequency attached by ClinVar (database versions not stated): gnomAD 0.00001; gnomAD exomes 0.00002 and 0.00003; TOPMed 0.00003; ExAC 0.00005; 1000 Genomes Project 0.00020; 1000 Genomes Project 30x 0.00031.
gnomAD v4.1: 40 of 1,597,672 alleles (0.0025%); highest among the groups gnomAD compares: East Asian, 0.016%; no homozygotes.

Submissions (2):

CeGaT Center for Human Genetics Tuebingen
Classification: Likely benign. Last evaluated: 2026-06-01. Review status: criteria provided, single submitter. Criteria: CeGaT Center For Human Genetics Tuebingen Variant Classification Criteria Version 2. Collection method: clinical testing. Allele origin: germline. Affected: yes. Observed: 1 variant allele.
Comment: CHD7: BP4

Labcorp Genetics (formerly Invitae), Labcorp
Classification: Likely benign for CHARGE syndrome. Last evaluated: 2025-12-15. Review status: criteria provided, single submitter. Criteria: Invitae Variant Classification Sherloc (09022015). Collection method: clinical testing. Allele origin: germline.

NM_017780.4(CHD7):c.7971+7G>A

Gene: CHD7 (chromodomain helicase DNA binding protein 7; plus strand). Cytogenetic location: 8q12.2.
Variant type: single nucleotide variant.
Coding change: c.7971+7G>A on transcript NM_017780.4 (MANE Select); 7 bases into the intron after coding-DNA position 7971, G replaced by A.
Molecular consequence: intron variant.
Genome position (GRCh38, 1-based): chr8:60,862,343, G>A. VCF-style: chr8-60862343-G-A. GRCh37 (hg19) VCF-style: chr8-61774902-G-A.
Other names: c.1824+7G>A (NM_001316690.1).
Identifiers: ClinVar variation 697452 (VCV000697452.10), dbSNP rs554518877, ClinGen allele CA4760923.